The following is an entry in ClinVar:

ClinVar aggregate classification (germline): Uncertain significance (1 of 4 stars; one submission).

Conditions:
SLC2A10-related disorder. Also called: SLC2A10-related condition.

gnomAD v4.1: 1 of 1,614,096 alleles (0.000062%); highest among the groups gnomAD compares: Non-Finnish European, 0.000085%; no homozygotes.

Submission:

PreventionGenetics, part of Exact Sciences
Classification: Uncertain significance for SLC2A10-related condition. Last evaluated: 2025-03-04. Review status: criteria provided, single submitter. Criteria: ACMG Guidelines, 2015. Collection method: clinical testing. Allele origin: germline.
Comment: The SLC2A10 c.505G>T variant is predicted to result in the amino acid substitution p.Gly169Cys. To our knowledge, this variant has not been reported in the literature or in a large population database (gnomAD), indicating this variant is rare. At this time, the clinical significance of this variant is uncertain due to the absence of conclusive functional and genetic evidence.

NM_030777.4(SLC2A10):c.505G>T (p.Gly169Cys)

Gene: SLC2A10 (solute carrier family 2 member 10; plus strand). Cytogenetic location: 20q13.12.
Variant type: single nucleotide variant.
Coding change: c.505G>T on transcript NM_030777.4 (MANE Select); coding-DNA position 505, G replaced by T.
Protein change: p.Gly169Cys; replaces glycine 169 with cysteine.
Molecular consequence: missense variant.
Genome position (GRCh38, 1-based): chr20:46,725,541, G>T. VCF-style: chr20-46725541-G-T. GRCh37 (hg19) VCF-style: chr20-45354180-G-T.
Other names: short protein forms G169C.
Identifiers: ClinVar variation 5001571 (VCV005001571.1).
Genomic context (GRCh38, chr20:46,725,541, plus strand): 5'-CTCTCCTATGCCCTCAACTATGCACTGGCTGGTACCCCCTGGGGATGGAGGCACATGTTC[G>T]GCTGGGCCACTGCACCTGCTGTCCTGCAATCCCTCAGCCTCCTCTTCCTCCCTGCTGGTA-3'
Protein context (NP_110404.1, residues 159-179): GTPWGWRHMF[Gly169Cys]WATAPAVLQS